The following is an entry in ClinVar:

ClinVar aggregate classification (germline): Uncertain significance. Review status: criteria provided, multiple submitters, no conflicts (2 of 4 stars). 2 submissions from 2 submitters: Uncertain significance (2). Last evaluated 2024-11-23.

Conditions:
Inborn genetic diseases. Identifiers: MedGen C0950123, MeSH D030342.
Kostmann syndrome (SCN3). Also called: KOSTMANN DISEASE; Autosomal recessive severe congenital neutropenia type 3. Identifiers: Orphanet 99749, MedGen C5235141, MONDO:0012548, OMIM 610738.

Allele frequency attached by ClinVar (database versions not stated): TOPMed 0.00002.
gnomAD v4.1: 8 of 1,613,988 alleles (0.0005%); highest among the groups gnomAD compares: Non-Finnish European, 0.00059%; no homozygotes.

Submissions (2):

Ambry Genetics
Classification: Uncertain significance for Inborn genetic diseases. Last evaluated: 2024-11-23. Review status: criteria provided, single submitter. Criteria: Ambry Variant Classification Scheme 2023. Collection method: clinical testing. Allele origin: germline.
Comment: The p.R46P variant (also known as c.137G>C), located in coding exon 2 of the HAX1 gene, results from a G to C substitution at nucleotide position 137. The arginine at codon 46 is replaced by proline, an amino acid with dissimilar properties. This amino acid position is conserved. In addition, this alteration is predicted to be tolerated by in silico analysis. Based on the available evidence, the clinical significance of this variant remains unclear.

Illumina Laboratory Services, Illumina
Classification: Uncertain significance for Kostmann syndrome. Last evaluated: 2018-01-13. Review status: criteria provided, single submitter. Criteria: ICSL Variant Classification Criteria 13 December 2019. Collection method: clinical testing. Allele origin: germline.

NM_006118.4(HAX1):c.137G>C (p.Arg46Pro)

Gene: HAX1 (HCLS1 associated protein X-1; plus strand). Cytogenetic location: 1q21.3.
Variant type: single nucleotide variant.
Coding change: c.137G>C on transcript NM_006118.4 (MANE Select); coding-DNA position 137, G replaced by C.
Protein change: p.Arg46Pro; replaces arginine 46 with proline.
Molecular consequence: missense variant. On other transcripts: intron variant (1).
Genome position (GRCh38, 1-based): chr1:154,273,419, G>C. VCF-style: chr1-154273419-G-C. GRCh37 (hg19) VCF-style: chr1-154245895-G-C.
Other names: c.54-61G>C (NM_001018837.2); short protein forms R46P.
Identifiers: ClinVar variation 292703 (VCV000292703.6), dbSNP rs761500862, ClinGen allele CA10607753.